The following is an entry in ClinVar:

NM_006393.3(NEBL):c.217A>T (p.Met73Leu)

Gene: NEBL (nebulette; minus strand). Cytogenetic location: 10p12.31.
Variant type: single nucleotide variant.
Coding change: c.217A>T on transcript NM_006393.3 (MANE Select); coding-DNA position 217, A replaced by T.
Protein change: p.Met73Leu; replaces methionine 73 with leucine.
Molecular consequence: missense variant. On other transcripts: intron variant (9).
Genome position (GRCh38, 1-based): chr10:20,889,886, T>A on the plus strand (A>T on the coding strand, the complement: NEBL is on the minus strand). VCF-style: chr10-20889886-T-A. GRCh37 (hg19) VCF-style: chr10-21178815-T-A.
Other names: c.249+71786A>T (NM_001377326.1, NM_001377327.1, NM_001377328.1); c.357+71786A>T (NM_213569.2, NM_001173484.2, NM_001377322.1); c.300+71786A>T (NM_001377324.1); c.291+71786A>T (NM_001377325.1); c.309+71786A>T (NM_001377323.1); short protein forms M73L.
Identifiers: ClinVar variation 3654783 (VCV003654783.2).
Genomic context (GRCh38, chr10:20,889,886, plus strand): 5'-CAAGCTTTTGATACCTTACCTCAGAAATAAAAGCACCGATATTTTTTACATGGTTTAGCA[T>A]AGGACTGTCAGTCACAAATGTACACTTATCCTTGGACTTTTTAAACTCTTCTTTATAACG-3'
Protein context (NP_006384.1, residues 63-83): DKCTFVTDSP[Met73Leu]LNHVKNIGAF

ClinVar aggregate classification (germline): Uncertain significance (1 of 4 stars; one submission).

Conditions:
Primary dilated cardiomyopathy (DCM). Also called: Dilated Cardiomyopathy. Identifiers: Orphanet 217604, MedGen C0007193, MeSH D002311, MONDO:0005021, HP:0001644. Inheritance: Various modes of inheritance.

Submission:

Labcorp Genetics (formerly Invitae), Labcorp
Classification: Uncertain significance for Primary dilated cardiomyopathy. Last evaluated: 2024-05-27. Review status: criteria provided, single submitter. Criteria: Invitae Variant Classification Sherloc (09022015). Collection method: clinical testing. Allele origin: germline.
Comment: This sequence change replaces methionine, which is neutral and non-polar, with leucine, which is neutral and non-polar, at codon 73 of the NEBL protein (p.Met73Leu). This variant is not present in population databases (gnomAD no frequency). This variant has not been reported in the literature in individuals affected with NEBL-related conditions. Algorithms developed to predict the effect of missense changes on protein structure and function output the following: SIFT: "Not Available"; PolyPhen-2: "Benign"; Align-GVGD: "Not Available". The leucine amino acid residue is found in multiple mammalian species, which suggests that this missense change does not adversely affect protein function. In summary, the available evidence is currently insufficient to determine the role of this variant in disease. Therefore, it has been classified as a Variant of Uncertain Significance.